The following is an entry in ClinVar:

ClinVar aggregate classification (germline): Uncertain significance (1 of 4 stars; one submission).

Conditions:
Spastic paraplegia. Identifiers: MedGen C0037772, HP:0001258.

Allele frequency attached by ClinVar (database versions not stated): gnomAD exomes below 0.00001; gnomAD 0.00001; TOPMed below 0.00001.
gnomAD v4.1: 2 of 1,209,690 alleles (0.00017%); highest among the groups gnomAD compares: Non-Finnish European, 0.00022%; no homozygotes.

Submission:

Labcorp Genetics (formerly Invitae), Labcorp
Classification: Uncertain significance for Spastic paraplegia. Last evaluated: 2023-11-27. Review status: criteria provided, single submitter. Criteria: Invitae Variant Classification Sherloc (09022015). Collection method: clinical testing. Allele origin: germline.
Comment: This sequence change replaces arginine, which is basic and polar, with histidine, which is basic and polar, at codon 319 of the SLC16A2 protein (p.Arg319His). This variant is present in population databases (no rsID available, gnomAD 0.01%). This variant has not been reported in the literature in individuals affected with SLC16A2-related conditions. ClinVar contains an entry for this variant (Variation ID: 2057057). Advanced modeling of protein sequence and biophysical properties (such as structural, functional, and spatial information, amino acid conservation, physicochemical variation, residue mobility, and thermodynamic stability) has been performed at Invitae for this missense variant, however the output from this modeling did not meet the statistical confidence thresholds required to predict the impact of this variant on SLC16A2 protein function. In summary, the available evidence is currently insufficient to determine the role of this variant in disease. Therefore, it has been classified as a Variant of Uncertain Significance.

NM_006517.5(SLC16A2):c.956G>A (p.Arg319His)

Gene: SLC16A2 (solute carrier family 16 member 2; plus strand). Cytogenetic location: Xq13.2.
Variant type: single nucleotide variant.
Coding change: c.956G>A on transcript NM_006517.5 (MANE Select); coding-DNA position 956, G replaced by A.
Protein change: p.Arg319His; replaces arginine 319 with histidine.
Molecular consequence: missense variant.
Genome position (GRCh38, 1-based): chrX:74,524,739, G>A. VCF-style: chrX-74524739-G-A. GRCh37 (hg19) VCF-style: chrX-73744574-G-A.
Other names: short protein forms R319H.
Identifiers: ClinVar variation 2057057 (VCV002057057.4), dbSNP rs1489135756, ClinGen allele CA413657653.
Genomic context (GRCh38, chrX:74,524,739, plus strand): 5'-TGCACCAGCGCTTTCTGGCTCAGCTCAGGAAGTACTTCAACATGCGAGTGTTCCGCCAAC[G>A]CACTTACCGCATCTGGGCCTTCGGAATTGCTGCTGCTGCCCTTGGCTACTTTGTTCCCTA-3'
Protein context (NP_006508.2, residues 309-329): KYFNMRVFRQ[Arg319His]TYRIWAFGIA